The following is an entry in ClinVar:

ClinVar aggregate classification (germline): Pathogenic (1 of 4 stars; one submission).

Conditions:
Multiple congenital exostosis (EXT). Also called: Multiple exostoses; MULTIPLE CARTILAGINOUS EXOSTOSES; Multiple osteochondromas; Hereditary multiple osteochondromas; Hereditary multiple exostoses; Hereditary multiple exostosis. Identifiers: Orphanet 321, MedGen C0015306, MONDO:0005508, HP:0002762.

Submission:

Labcorp Genetics (formerly Invitae), Labcorp
Classification: Pathogenic for Multiple congenital exostosis. Last evaluated: 2023-10-09. Review status: criteria provided, single submitter. Criteria: Invitae Variant Classification Sherloc (09022015). Collection method: clinical testing. Allele origin: unknown.
Comment: This variant is a gross deletion of the genomic region encompassing exon(s) 3 of the EXT1 gene. This variant would be expected to be in-frame, preserving the integrity of the reading frame. This variant has not been reported in the literature in individuals affected with EXT1-related conditions. This variant disrupts a region of the EXT1 protein in which other variant(s) (p.Pro357Arg) have been determined to be pathogenic (Invitae). This suggests that this is a clinically significant region of the protein, and that variants that disrupt it are likely to be disease-causing. For these reasons, this variant has been classified as Pathogenic.

NC_000008.10:g.(?_118847663)_(118847810_?)del

Gene: EXT1 (exostosin glycosyltransferase 1; minus strand). Cytogenetic location: 8q24.11.
Variant type: Deletion.
Identifiers: ClinVar variation 3245403 (VCV003245403.1).